The following is an entry in ClinVar:

ClinVar aggregate classification (germline): Likely benign (1 of 4 stars; one submission).

Allele frequency attached by ClinVar (database versions not stated): gnomAD 0.00001; TOPMed 0.00002; ExAC 0.00003; gnomAD exomes 0.00003; ESP Exome Variant Server 0.00008.

Submission:

CeGaT Center for Human Genetics Tuebingen
Classification: Likely benign. Last evaluated: 2024-02-01. Review status: criteria provided, single submitter. Criteria: CeGaT Center For Human Genetics Tuebingen Variant Classification Criteria Version 2. Collection method: clinical testing. Allele origin: germline. Affected: yes. Observed: 1 variant allele.
Comment: TENT5B: BP4, BP7

NM_052943.4(TENT5B):c.798C>T (p.Ile266=)

Gene: TENT5B (terminal nucleotidyltransferase 5B; minus strand). Cytogenetic location: 1p36.11.
Variant type: single nucleotide variant.
Coding change: c.798C>T on transcript NM_052943.4 (MANE Select); coding-DNA position 798, C replaced by T.
Protein change: p.Ile266=; no amino-acid change (isoleucine 266 retained).
Molecular consequence: synonymous variant.
Genome position (GRCh38, 1-based): chr1:27,006,424, G>A on the plus strand (C>T on the coding strand, the complement: TENT5B is on the minus strand). VCF-style: chr1-27006424-G-A. GRCh37 (hg19) VCF-style: chr1-27332915-G-A.
Identifiers: ClinVar variation 2638551 (VCV002638551.24), dbSNP rs375931876, ClinGen allele CA710591.